The following is an entry in ClinVar:

ClinVar aggregate classification (germline): Uncertain significance. Review status: criteria provided, multiple submitters, no conflicts (2 of 4 stars). 2 submissions from 2 submitters: Uncertain significance (2). Last evaluated 2024-09-27.

Conditions:
Hereditary cancer-predisposing syndrome. Also called: Neoplastic Syndromes, Hereditary; Tumor predisposition; Hereditary Cancer Syndrome; Hereditary neoplastic syndrome. Identifiers: Orphanet 140162, MedGen C0027672, MeSH D009386, MONDO:0015356.
Multiple endocrine neoplasia, type 1 (MEN1). Also called: MEN I; WERMER SYNDROME; MEA I; Endocrine adenomatosis multiple; MEN 1. Identifiers: Orphanet 652, MedGen C0025267, MeSH D018761, MONDO:0007540, OMIM 131100.

Submissions (2):

Ambry Genetics
Classification: Uncertain significance for Hereditary cancer-predisposing syndrome. Last evaluated: 2024-09-27. Review status: criteria provided, single submitter. Criteria: Ambry Variant Classification Scheme 2023. Collection method: clinical testing. Allele origin: germline.
Comment: The p.G294S variant (also known as c.880G>A), located in coding exon 5 of the MEN1 gene, results from a G to A substitution at nucleotide position 880. The glycine at codon 294 is replaced by serine, an amino acid with similar properties. This amino acid position is conserved. In addition, the in silico prediction for this alteration is inconclusive. Based on the available evidence, the clinical significance of this variant remains unclear.

Labcorp Genetics (formerly Invitae), Labcorp
Classification: Uncertain significance for Multiple endocrine neoplasia, type 1. Last evaluated: 2018-01-03. Review status: criteria provided, single submitter. Criteria: Invitae Variant Classification Sherloc (09022015). Collection method: clinical testing. Allele origin: germline.
Comment: In summary, the available evidence is currently insufficient to determine the role of this variant in disease. Therefore, it has been classified as a Variant of Uncertain Significance. Algorithms developed to predict the effect of missense changes on protein structure and function (SIFT, PolyPhen-2, Align-GVGD) all suggest that this variant is likely to be tolerated, but these predictions have not been confirmed by published functional studies and their clinical significance is uncertain. This variant has not been reported in the literature in individuals with MEN1-related disease. This variant is not present in population databases (ExAC no frequency). This sequence change replaces glycine with serine at codon 294 of the MEN1 protein (p.Gly294Ser). The glycine residue is highly conserved and there is a small physicochemical difference between glycine and serine.

NM_001370259.2(MEN1):c.880G>A (p.Gly294Ser)

Gene: MEN1 (menin 1; minus strand). Cytogenetic location: 11q13.1.
Variant type: single nucleotide variant.
Coding change: c.880G>A on transcript NM_001370259.2 (MANE Select); coding-DNA position 880, G replaced by A.
Protein change: p.Gly294Ser; replaces glycine 294 with serine.
Molecular consequence: missense variant.
Genome position (GRCh38, 1-based): chr11:64,807,043, C>T on the plus strand (G>A on the coding strand, the complement: MEN1 is on the minus strand). VCF-style: chr11-64807043-C-T. GRCh37 (hg19) VCF-style: chr11-64574515-C-T.
Other names: c.775G>A, p.Gly259Ser (NM_001370263.2, NM_001370262.2); c.880G>A, p.Gly294Ser (NM_130799.3, NM_001370251.2, NM_001370260.2 and 1 more transcripts); c.895G>A, p.Gly299Ser (NM_130800.3, NM_130801.3, NM_130802.3 and 3 more transcripts); short protein forms G299S, G294S, G259S.
Identifiers: ClinVar variation 566439 (VCV000566439.9), dbSNP rs1565645429, ClinGen allele CA381183545.